The following is an entry in ClinVar:

NM_001018005.2(TPM1):c.752A>C (p.Lys251Thr)

Gene: TPM1 (tropomyosin 1; plus strand). Cytogenetic location: 15q22.2.
Variant type: single nucleotide variant.
Coding change: c.752A>C on transcript NM_001018005.2 (MANE Select); coding-DNA position 752, A replaced by C.
Protein change: p.Lys251Thr; replaces lysine 251 with threonine.
Molecular consequence: missense variant.
Genome position (GRCh38, 1-based): chr15:63,062,625, A>C. VCF-style: chr15-63062625-A-C. GRCh37 (hg19) VCF-style: chr15-63354824-A-C.
Other names: c.752A>C, p.Lys251Thr (NM_000366.6, NM_001018004.2, NM_001018006.2 and 20 more transcripts); c.644A>C, p.Lys215Thr (NM_001018008.2, NM_001301289.2, NM_001330344.2 and 9 more transcripts); c.878A>C, p.Lys293Thr (NM_001365778.1, NM_001407322.1, NM_001407323.1 and 1 more transcripts); short protein forms K215T, K251T, K293T.
Identifiers: ClinVar variation 1759357 (VCV001759357.3), dbSNP rs1288856499, ClinGen allele CA392724639.
Genomic context (GRCh38, chr15:63,062,625, plus strand): 5'-AATCATTACAGGCTGAGACTCGGGCTGAGTTTGCGGAGAGGTCAGTAACTAAATTGGAGA[A>C]AAGCATTGATGACTTAGAAGGTAAGATCTTAAGTAGTGTTTTTAGTTTAATCCTTATGGT-3'
Protein context (NP_001018005.1, residues 241-261): FAERSVTKLE[Lys251Thr]SIDDLEDELY

ClinVar aggregate classification (germline): Uncertain significance. Review status: criteria provided, multiple submitters, no conflicts (2 of 4 stars). 2 submissions from 2 submitters: Uncertain significance (2). Last evaluated 2025-10-29.

Conditions:
Cardiovascular phenotype. Identifiers: MedGen CN230736.
Hypertrophic cardiomyopathy. Also called: HYPERTROPHIC MYOCARDIOPATHY. Identifiers: Orphanet 217569, MedGen C0007194, MeSH D002312, MONDO:0005045, HP:0001639.

Allele frequency attached by ClinVar (database versions not stated): gnomAD 0.00001; TOPMed below 0.00001.
gnomAD v4.1: 1 of 1,614,136 alleles (0.000062%); highest among the groups gnomAD compares: African/African-American, 0.0013%; no homozygotes.

Submissions (2):

Labcorp Genetics (formerly Invitae), Labcorp
Classification: Uncertain significance for Hypertrophic cardiomyopathy. Last evaluated: 2025-10-29. Review status: criteria provided, single submitter. Criteria: Invitae Variant Classification Sherloc (09022015). Collection method: clinical testing. Allele origin: germline.
Comment: This sequence change replaces lysine, which is basic and polar, with threonine, which is neutral and polar, at codon 251 of the TPM1 protein (p.Lys251Thr). This variant is not present in population databases (gnomAD no frequency). This variant has not been reported in the literature in individuals affected with TPM1-related conditions. ClinVar contains an entry for this variant (Variation ID: 1759357). An algorithm developed to predict the effect of missense changes on protein structure and function (PolyPhen-2) suggests that this variant is likely to be disruptive. In summary, the available evidence is currently insufficient to determine the role of this variant in disease. Therefore, it has been classified as a Variant of Uncertain Significance.

Ambry Genetics
Classification: Uncertain significance for Cardiovascular phenotype. Last evaluated: 2021-01-05. Review status: criteria provided, single submitter. Criteria: Ambry Variant Classification Scheme 2023. Collection method: clinical testing. Allele origin: germline.
Comment: The p.K251T variant (also known as c.752A>C), located in coding exon 8 of the TPM1 gene, results from an A to C substitution at nucleotide position 752. The lysine at codon 251 is replaced by threonine, an amino acid with similar properties. This amino acid position is highly conserved in available vertebrate species. In addition, this alteration is predicted to be deleterious by in silico analysis. Since supporting evidence is limited at this time, the clinical significance of this alteration remains unclear.